The following is an entry in ClinVar:

ClinVar aggregate classification (germline): Uncertain significance (1 of 4 stars; one submission).

Conditions:
Neuropathy, hereditary sensory, type 2C. Also called: Hereditary sensory and autonomic neuropathy type IIC; KIF1A-Related HSAN2 (HSAN2C). Identifiers: Orphanet 970, MedGen C3280168, MONDO:0013634, OMIM 614213.
Hereditary spastic paraplegia 30. Identifiers: Orphanet 101010, MedGen C5235139, MONDO:0012476.
Intellectual disability, autosomal dominant 9 (NESCAVS). Also called: NESCAV SYNDROME; KIF1A-Related Neurodevelopmental Disorder. Identifiers: Orphanet 662367, MedGen C5393830, MONDO:0013656, OMIM 614255.

Submission:

Labcorp Genetics (formerly Invitae), Labcorp
Classification: Uncertain significance for Hereditary spastic paraplegia 30; Neuropathy, hereditary sensory, type 2C; Intellectual disability, autosomal dominant 9. Last evaluated: 2024-02-15. Review status: criteria provided, single submitter. Criteria: Invitae Variant Classification Sherloc (09022015). Collection method: clinical testing. Allele origin: germline.
Comment: This sequence change replaces arginine, which is basic and polar, with proline, which is neutral and non-polar, at codon 370 of the KIF1A protein (p.Arg370Pro). This variant is not present in population databases (gnomAD no frequency). This variant has not been reported in the literature in individuals affected with KIF1A-related conditions. Advanced modeling of protein sequence and biophysical properties (such as structural, functional, and spatial information, amino acid conservation, physicochemical variation, residue mobility, and thermodynamic stability) performed at Invitae indicates that this missense variant is expected to disrupt KIF1A protein function with a positive predictive value of 95%. In summary, the available evidence is currently insufficient to determine the role of this variant in disease. Therefore, it has been classified as a Variant of Uncertain Significance.

NM_001244008.2(KIF1A):c.1109G>C (p.Arg370Pro)

Gene: KIF1A (kinesin family member 1A; minus strand). Cytogenetic location: 2q37.3.
Variant type: single nucleotide variant.
Coding change: c.1109G>C on transcript NM_001244008.2 (MANE Select); coding-DNA position 1109, G replaced by C.
Protein change: p.Arg370Pro; replaces arginine 370 with proline.
Molecular consequence: missense variant.
Genome position (GRCh38, 1-based): chr2:240,773,185, C>G on the plus strand (G>C on the coding strand, the complement: KIF1A is on the minus strand). VCF-style: chr2-240773185-C-G. GRCh37 (hg19) VCF-style: chr2-241712602-C-G.
Other names: c.1109G>C, p.Arg370Pro (NM_001320705.2, NM_001330289.2, NM_001330290.2 and 21 more transcripts); short protein forms R370P.
Identifiers: ClinVar variation 2922498 (VCV002922498.3), dbSNP rs1397376358, ClinGen allele CA351295448.
Genomic context (GRCh38, chr2:240,773,185, plus strand): 5'-TCGCCAAGACCCTGGGCGTACAGAAGGTCCCGCAGCCGGGTCACCTCATCCTTCAGCTCG[C>G]GGATCAGCTTGTTGTTGGGGTCCTCATTGATGACAGCATTGCAGCGGATCTGCTTGGCCC-3'
Protein context (NP_001230937.1, residues 360-380): INEDPNNKLI[Arg370Pro]ELKDEVTRLR